The following is an entry in ClinVar:

ClinVar aggregate classification (germline): Uncertain significance. Review status: criteria provided, multiple submitters, no conflicts (2 of 4 stars). 2 submissions from 2 submitters: Uncertain significance (2). Last evaluated 2026-09-10.

Conditions:
Inborn genetic diseases. Identifiers: MedGen C0950123, MeSH D030342.
GLUD1-related disorder. Also called: GLUD1-related condition.

Allele frequency attached by ClinVar (database versions not stated): TOPMed 0.00001.

Submissions (2):

Ambry Genetics
Classification: Uncertain significance for Inborn genetic diseases. Last evaluated: 2026-09-10. Review status: criteria provided, single submitter. Criteria: Ambry Variant Classification Scheme 2023. Collection method: clinical testing. Allele origin: germline.

PreventionGenetics, part of Exact Sciences
Classification: Uncertain significance for GLUD1-related condition. Last evaluated: 2025-04-22. Review status: criteria provided, single submitter. Criteria: ACMG Guidelines, 2015. Collection method: clinical testing. Allele origin: germline.
Comment: The GLUD1 c.1265T>C variant is predicted to result in the amino acid substitution p.Ile422Thr. To our knowledge, this variant has not been reported in the literature or in a large population database (gnomAD), indicating this variant is rare. At this time, the clinical significance of this variant is uncertain due to the absence of conclusive functional and genetic evidence.

NM_005271.5(GLUD1):c.1265T>C (p.Ile422Thr)

Gene: GLUD1 (glutamate dehydrogenase 1; minus strand). Cytogenetic location: 10q23.2.
Variant type: single nucleotide variant.
Coding change: c.1265T>C on transcript NM_005271.5 (MANE Select); coding-DNA position 1265, T replaced by C.
Protein change: p.Ile422Thr; replaces isoleucine 422 with threonine.
Molecular consequence: missense variant.
Genome position (GRCh38, 1-based): chr10:87,060,174, A>G on the plus strand (T>C on the coding strand, the complement: GLUD1 is on the minus strand). VCF-style: chr10-87060174-A-G. GRCh37 (hg19) VCF-style: chr10-88819931-A-G.
Other names: c.1265T>C (NM_005271.3); c.866T>C, p.Ile289Thr (NM_001318900.1); c.764T>C, p.Ile255Thr (NM_001318901.1, NM_001318902.1, NM_001318904.2 and 2 more transcripts); short protein forms I255T, I289T, I422T.
Identifiers: ClinVar variation 2634795 (VCV002634795.3), dbSNP rs915231206, ClinGen allele CA211212531.